The following is an entry in ClinVar:

NM_182961.4(SYNE1):c.2892+230C>G

Gene: SYNE1 (spectrin repeat containing nuclear envelope protein 1; minus strand). Cytogenetic location: 6q25.2.
Variant type: single nucleotide variant.
Coding change: c.2892+230C>G on transcript NM_182961.4 (MANE Select); 230 bases into the intron after coding-DNA position 2892, C replaced by G.
Molecular consequence: intron variant.
Genome position (GRCh38, 1-based): chr6:152,455,196, G>C on the plus strand (C>G on the coding strand, the complement: SYNE1 is on the minus strand). VCF-style: chr6-152455196-G-C. GRCh37 (hg19) VCF-style: chr6-152776331-G-C.
Other names: c.2913+230C>G (NM_033071.5).
Identifiers: ClinVar variation 670610 (VCV000670610.1), dbSNP rs214969, ClinGen allele CA16283910.

ClinVar aggregate classification (germline): Benign (1 of 4 stars; one submission).

Allele frequency attached by ClinVar (database versions not stated): gnomAD 0.52502 and 0.52686; TOPMed 0.53721; 1000 Genomes Project 0.60663; 1000 Genomes Project 30x 0.60728.
gnomAD v4.1: 79,897 of 152,072 alleles (53%); highest among the groups gnomAD compares: East Asian, 76%; 22,858 homozygotes.

Submission:

GeneDx
Classification: Benign. Last evaluated: 2018-06-14. Review status: criteria provided, single submitter. Criteria: GeneDx Variant Classification (06012015). Collection method: clinical testing. Allele origin: germline. Affected: yes.
Comment: This variant is considered likely benign or benign based on one or more of the following criteria: it is a conservative change, it occurs at a poorly conserved position in the protein, it is predicted to be benign by multiple in silico algorithms, and/or has population frequency not consistent with disease.